The following is an entry in ClinVar:

ClinVar aggregate classification (germline): Uncertain significance (1 of 4 stars; one submission).

Conditions:
Cardiovascular phenotype. Identifiers: MedGen CN230736.

Submission:

Ambry Genetics
Classification: Uncertain significance for Cardiovascular phenotype. Last evaluated: 2026-09-11. Review status: criteria provided, single submitter. Criteria: Ambry Variant Classification Scheme 2023. Collection method: clinical testing. Allele origin: germline.
Comment: The p.M1107I variant (also known as c.3321G>A), located in coding exon 21 of the APOB gene, results from a G to A substitution at nucleotide position 3321. The methionine at codon 1107 is replaced by isoleucine, an amino acid with highly similar properties. This amino acid position is conserved. In addition, this alteration is predicted to be tolerated by in silico analysis. Based on the available evidence, the clinical significance of this variant remains unclear.

NM_000384.3(APOB):c.3321G>A (p.Met1107Ile)

Gene: APOB (apolipoprotein B; minus strand). Cytogenetic location: 2p24.1.
Variant type: single nucleotide variant.
Coding change: c.3321G>A on transcript NM_000384.3 (MANE Select); coding-DNA position 3321, G replaced by A.
Protein change: p.Met1107Ile; replaces methionine 1107 with isoleucine.
Molecular consequence: missense variant.
Genome position (GRCh38, 1-based): chr2:21,016,450, C>T on the plus strand (G>A on the coding strand, the complement: APOB is on the minus strand). VCF-style: chr2-21016450-C-T. GRCh37 (hg19) VCF-style: chr2-21239322-C-T.
Other names: short protein forms M1107I.
Identifiers: ClinVar variation 2529679 (VCV002529679.3), dbSNP rs2465390867, ClinGen allele CA346009347.
Genomic context (GRCh38, chr2:21,016,450, plus strand): 5'-AACCACCCAGGCCTGCAGTGCAGGTCAGATGACCCTCGGCCTTCTTTACCTTAGGTGGCC[C>T]ATGAGGGCGACCTCAGTAATTTTCTTGTTCTGAATGTCCAGGGTGAGTCTGTAAGACGTT-3'
Protein context (NP_000375.3, residues 1097-1117): QNKKITEVAL[Met1107Ile]GHLSCDTKEE